The following is an entry in ClinVar:

NM_016373.4(WWOX):c.1056+191744T>G

Gene: WWOX (WW domain containing oxidoreductase; plus strand). Cytogenetic location: 16q23.1.
Variant type: single nucleotide variant.
Coding change: c.1056+191744T>G on transcript NM_016373.4 (MANE Select); 191744 bases into the intron after coding-DNA position 1056, T replaced by G.
Molecular consequence: intron variant.
Genome position (GRCh38, 1-based): chr16:78,624,496, T>G. VCF-style: chr16-78624496-T-G. GRCh37 (hg19) VCF-style: chr16-78658393-T-G.
Other names: c.717+191744T>G (NM_001291997.2).
Identifiers: ClinVar variation 540240 (VCV000540240.13), dbSNP rs2548861, ClinGen allele CA14307570.
Genomic context (GRCh38, chr16:78,624,496, plus strand): 5'-CACATTAATACTGACTCATATCTTATTTCCCACTTGCAATAAGAAAACCATTCAAATCTT[T>G]CCCTCACAGGACAATATCTTTAATAGCTTCTGTGTGTTTCCTATTTTTGGCTGTTTCTGT-3'

ClinVar aggregate classification (germline): Benign. Review status: criteria provided, multiple submitters, no conflicts (2 of 4 stars). 2 submissions from 2 submitters: Benign (2). Last evaluated 2026-01-26.

Conditions:
Autosomal recessive spinocerebellar ataxia 12. Also called: SPINOCEREBELLAR ATAXIA WITH MENTAL RETARDATION AND EPILEPSY. Identifiers: Orphanet 284282, MedGen C3280452, MONDO:0013687, OMIM 614322.
Developmental and epileptic encephalopathy, 1 (DEE1). Also called: X-linked infantile spasms; West's syndrome; Tonic spasms with clustering, arrest of psychomotor development and hypsarrhythmia on EEG; X-Linked Infantile Spasm Syndrome; INFANTILE SPASM SYNDROME, X-LINKED 1; OHTAHARA SYNDROME, X-LINKED. Identifiers: MedGen C3463992, MONDO:0010632, OMIM 308350. Disease mechanism: loss of function.

Allele frequency attached by ClinVar (database versions not stated): gnomAD 0.52329 and 0.51877; 1000 Genomes Project 30x 0.50062; 1000 Genomes Project 0.50399; TOPMed 0.52750.
gnomAD v4.1: 79,680 of 152,036 alleles (52%); highest among the groups gnomAD compares: East Asian, 64%; 22,006 homozygotes.

Submissions (2):

Labcorp Genetics (formerly Invitae), Labcorp
Classification: Benign for Developmental and epileptic encephalopathy, 1; Autosomal recessive spinocerebellar ataxia 12. Last evaluated: 2026-01-26. Review status: criteria provided, single submitter. Criteria: Invitae Variant Classification Sherloc (09022015). Collection method: clinical testing. Allele origin: germline.

GeneDx
Classification: Benign. Last evaluated: 2020-06-24. Review status: criteria provided, single submitter. Criteria: GeneDx Variant Classification Process June 2021. Collection method: clinical testing. Allele origin: germline. Affected: yes.
Comment: This variant is associated with the following publications: (PMID: 23197378, 18674750)